The following is an entry in ClinVar:

NM_000264.5(PTCH1):c.154C>T (p.Arg52Trp)

Genes: PTCH1 (patched 1; minus strand), LOC130002133 (ATAC-STARR-seq lymphoblastoid silent region 20071; plus strand). Cytogenetic location: 9q22.32.
Variant type: single nucleotide variant.
Coding change: c.154C>T on transcript NM_000264.5 (MANE Select); coding-DNA position 154, C replaced by T.
Protein change: p.Arg52Trp; replaces arginine 52 with tryptophan.
Molecular consequence: missense variant. On other transcripts: non-coding transcript variant (1), intron variant (3).
Genome position (GRCh38, 1-based): chr9:95,508,208, G>A on the plus strand (C>T on the coding strand, the complement: PTCH1 is on the minus strand). VCF-style: chr9-95508208-G-A. GRCh37 (hg19) VCF-style: chr9-98270490-G-A.
Other names: c.154C>T, p.Arg52Trp (NM_001354918.2); c.199-1609C>T (NM_001083603.3); c.4-1609C>T (NM_001083602.3, NM_001354919.2); short protein forms R52W.
Identifiers: ClinVar variation 819489 (VCV000819489.14), dbSNP rs1587700366, ClinGen allele CA374121338.

ClinVar aggregate classification (germline): Uncertain significance. Review status: criteria provided, multiple submitters, no conflicts (2 of 4 stars). 2 submissions from 2 submitters: Uncertain significance (2). Last evaluated 2025-04-21.

Conditions:
Gorlin syndrome. Also called: Nevoid Basal Cell Carcinoma Syndrome; Basal cell nevus syndrome. Identifiers: Orphanet 377, MedGen C0004779, MONDO:0007187.
Hereditary cancer-predisposing syndrome. Also called: Hereditary Cancer Syndrome; Neoplastic Syndromes, Hereditary; Hereditary neoplastic syndrome; Tumor predisposition. Identifiers: Orphanet 140162, MedGen C0027672, MeSH D009386, MONDO:0015356.

Submissions (2):

Labcorp Genetics (formerly Invitae), Labcorp
Classification: Uncertain significance for Gorlin syndrome. Last evaluated: 2025-04-21. Review status: criteria provided, single submitter. Criteria: Invitae Variant Classification Sherloc (09022015). Collection method: clinical testing. Allele origin: germline.
Comment: This sequence change replaces arginine, which is basic and polar, with tryptophan, which is neutral and slightly polar, at codon 52 of the PTCH1 protein (p.Arg52Trp). This variant is not present in population databases (gnomAD no frequency). This variant has not been reported in the literature in individuals affected with PTCH1-related conditions. ClinVar contains an entry for this variant (Variation ID: 819489). Invitae Evidence Modeling of protein sequence and biophysical properties (such as structural, functional, and spatial information, amino acid conservation, physicochemical variation, residue mobility, and thermodynamic stability) has been performed for this missense variant. However, the output from this modeling did not meet the statistical confidence thresholds required to predict the impact of this variant on PTCH1 protein function. In summary, the available evidence is currently insufficient to determine the role of this variant in disease. Therefore, it has been classified as a Variant of Uncertain Significance.

Ambry Genetics
Classification: Uncertain significance for Hereditary cancer-predisposing syndrome. Last evaluated: 2019-05-09. Review status: criteria provided, single submitter. Criteria: Ambry Variant Classification Scheme 2023. Collection method: clinical testing. Allele origin: germline.
Comment: The p.R52W variant (also known as c.154C>T), located in coding exon 1 of the PTCH1 gene, results from a C to T substitution at nucleotide position 154. The arginine at codon 52 is replaced by tryptophan, an amino acid with dissimilar properties. This amino acid position is highly conserved in available vertebrate species. In addition, this alteration is predicted to be deleterious by in silico analysis. Since supporting evidence is limited at this time, the clinical significance of this alteration remains unclear.